The following is an entry in ClinVar:

ClinVar aggregate classification (germline): Pathogenic (1 of 4 stars; one submission).

Conditions:
Aortic aneurysm, familial thoracic 4 (AAT4). Also called: AORTIC ANEURYSM/AORTIC DISSECTION AND PATENT DUCTUS ARTERIOSUS. Identifiers: MedGen C1851504, MONDO:0007568, OMIM 132900.

Submission:

Labcorp Genetics (formerly Invitae), Labcorp
Classification: Pathogenic for Aortic aneurysm, familial thoracic 4. Last evaluated: 2022-02-08. Review status: criteria provided, single submitter. Criteria: Invitae Variant Classification Sherloc (09022015). Collection method: clinical testing. Allele origin: germline.
Comment: For these reasons, this variant has been classified as Pathogenic. This variant has not been reported in the literature in individuals affected with MYH11-related conditions. This variant is a gross deletion of the genomic region encompassing exon(s) 27-28 of the MYH11 gene. This deletion is out-of-frame, and is expected to create a premature termination codon and result in an absent or disrupted protein product. Loss-of-function variants in MYH11 are known to be pathogenic (PMID: 25407000, 29575632).

Literature cited by the submitters: PubMed 25407000; PubMed 29575632.

NC_000016.9:g.(?_15826401)_(15829455_?)del

Gene: MYH11 (myosin heavy chain 11; minus strand). Cytogenetic location: 16p13.11.
Variant type: Deletion.
Identifiers: ClinVar variation 2423553 (VCV002423553.4).